The following is an entry in ClinVar:

NM_001848.3(COL6A1):c.1794C>T (p.Asp598=)

Gene: COL6A1 (collagen type VI alpha 1 chain; plus strand). Cytogenetic location: 21q22.3.
Variant type: single nucleotide variant.
Coding change: c.1794C>T on transcript NM_001848.3 (MANE Select); coding-DNA position 1794, C replaced by T.
Protein change: p.Asp598=; no amino-acid change (aspartic acid 598 retained).
Molecular consequence: synonymous variant.
Genome position (GRCh38, 1-based): chr21:46,000,348, C>T. VCF-style: chr21-46000348-C-T. GRCh37 (hg19) VCF-style: chr21-47420262-C-T.
Identifiers: ClinVar variation 5041576 (VCV005041576.1).

ClinVar aggregate classification (germline): Likely benign (1 of 4 stars; one submission).

Submission:

CeGaT Center for Human Genetics Tuebingen
Classification: Likely benign. Last evaluated: 2026-09-01. Review status: criteria provided, single submitter. Criteria: CeGaT Center For Human Genetics Tuebingen Variant Classification Criteria Version 2. Collection method: clinical testing. Allele origin: germline. Affected: yes. Observed: 1 variant allele.
Comment: COL6A1: PM2:Supporting, BP4, BP7